The following is an entry in ClinVar:

NM_014476.6(PDLIM3):c.799C>T (p.Arg267Cys)

Gene: PDLIM3 (PDZ and LIM domain 3; minus strand). Cytogenetic location: 4q35.1.
Variant type: single nucleotide variant.
Coding change: c.799C>T on transcript NM_014476.6 (MANE Select); coding-DNA position 799, C replaced by T.
Protein change: p.Arg267Cys; replaces arginine 267 with cysteine.
Molecular consequence: missense variant. On other transcripts: non-coding transcript variant (1).
Genome position (GRCh38, 1-based): chr4:185,504,581, G>A on the plus strand (C>T on the coding strand, the complement: PDLIM3 is on the minus strand). VCF-style: chr4-185504581-G-A. GRCh37 (hg19) VCF-style: chr4-186425735-G-A.
Other names: c.655C>T, p.Arg219Cys (NM_001114107.5); c.535C>T, p.Arg179Cys (NM_001257962.2); c.298C>T, p.Arg100Cys (NM_001257963.2); short protein forms R179C, R219C, R267C, R100C.
Identifiers: ClinVar variation 1037235 (VCV001037235.10), dbSNP rs373419233, ClinGen allele CA3159684.

ClinVar aggregate classification (germline): Uncertain significance. Review status: criteria provided, multiple submitters, no conflicts (2 of 4 stars). 2 submissions from 2 submitters: Uncertain significance (2). Last evaluated 2025-11-24.

Conditions:
Primary dilated cardiomyopathy (DCM). Also called: Dilated Cardiomyopathy. Identifiers: Orphanet 217604, MedGen C0007193, MeSH D002311, MONDO:0005021, HP:0001644. Inheritance: Various modes of inheritance.
Hypertrophic cardiomyopathy. Also called: HYPERTROPHIC MYOCARDIOPATHY. Identifiers: Orphanet 217569, MedGen C0007194, MeSH D002312, MONDO:0005045, HP:0001639.

Allele frequency attached by ClinVar (database versions not stated): gnomAD 0.00001; gnomAD exomes 0.00001; TOPMed 0.00001; ExAC 0.00002; ESP Exome Variant Server 0.00008.
gnomAD v4.1: 24 of 1,613,360 alleles (0.0015%); highest among the groups gnomAD compares: East Asian, 0.0045%; no homozygotes.

Submissions (2):

Ambry Genetics
Classification: Uncertain significance. Last evaluated: 2025-11-24. Review status: criteria provided, single submitter. Criteria: Ambry Variant Classification Scheme 2023. Collection method: clinical testing. Allele origin: germline.

Labcorp Genetics (formerly Invitae), Labcorp
Classification: Uncertain significance for Hypertrophic cardiomyopathy; Primary dilated cardiomyopathy. Last evaluated: 2025-01-15. Review status: criteria provided, single submitter. Criteria: Invitae Variant Classification Sherloc (09022015). Collection method: clinical testing. Allele origin: germline.
Comment: This sequence change replaces arginine, which is basic and polar, with cysteine, which is neutral and slightly polar, at codon 267 of the PDLIM3 protein (p.Arg267Cys). This variant is present in population databases (rs373419233, gnomAD 0.003%). This variant has not been reported in the literature in individuals affected with PDLIM3-related conditions. ClinVar contains an entry for this variant (Variation ID: 1037235). Invitae Evidence Modeling of protein sequence and biophysical properties (such as structural, functional, and spatial information, amino acid conservation, physicochemical variation, residue mobility, and thermodynamic stability) has been performed for this missense variant. However, the output from this modeling did not meet the statistical confidence thresholds required to predict the impact of this variant on PDLIM3 protein function. In summary, the available evidence is currently insufficient to determine the role of this variant in disease. Therefore, it has been classified as a Variant of Uncertain Significance.